The following is an entry in ClinVar:

ClinVar aggregate classification (germline): Pathogenic/Likely pathogenic. Review status: criteria provided, multiple submitters, no conflicts (2 of 4 stars). 2 submissions from 2 submitters: Pathogenic (1); Likely pathogenic (1). Last evaluated 2025-06-19.

Conditions:
Autosomal recessive osteopetrosis 8. Identifiers: Orphanet 667, MedGen C3554478, MONDO:0014040, OMIM 615085.

Submissions (2):

3billion
Classification: Pathogenic for Autosomal recessive osteopetrosis 8. Last evaluated: 2025-06-19. Review status: criteria provided, single submitter. Criteria: ACMG Guidelines, 2015. Collection method: clinical testing. Allele origin: germline. Affected: yes.
Comment: The variant is not observed in the gnomAD v4.1.0 dataset. Predicted Consequence/Location: Canonical splice site: predicted to alter splicing and result in a loss or disruption of normal protein function. Multiple pathogenic loss-of-function variants are reported downstream of the variant. In silico tools predict the variant to alter splicing and produce an abnormal transcript [SpliceAI: 1.00 (spliceogenicity >=0.2, non-spliceogenicity <0.1)]. The variant has been reported to be associated with SNX10-related disorder (ClinVar ID: VCV001810243 /PMID: 36703223). Therefore, this variant is classified as Pathogenic according to the recommendation of ACMG/AMP guideline.

Dubai Health Genomic Medicine Center, Dubai Health
Classification: Likely pathogenic. Last evaluated: 2022-12-17. Review status: criteria provided, single submitter. Criteria: ACMG Guidelines, 2015. Collection method: clinical testing. Allele origin: germline. Affected: yes.

Literature cited by the submitters: PubMed 36703223 (cited by 3billion).

NM_013322.3(SNX10):c.213-2A>G

Gene: SNX10 (sorting nexin 10; plus strand). Cytogenetic location: 7p15.2.
Variant type: single nucleotide variant.
Coding change: c.213-2A>G on transcript NM_013322.3 (MANE Select); the canonical splice acceptor site of the intron before coding-DNA position 213, A replaced by G.
Molecular consequence: splice acceptor variant.
Genome position (GRCh38, 1-based): chr7:26,365,045, A>G. VCF-style: chr7-26365045-A-G. GRCh37 (hg19) VCF-style: chr7-26404665-A-G.
Other names: c.291-2A>G (NM_001362754.1, NM_001362753.1, NM_001318198.1); c.213-2A>G (NM_001199835.1, NM_001318199.3); c.204-2A>G (NM_001199837.3); c.-40-2A>G (NM_001199838.2).
Identifiers: ClinVar variation 1810243 (VCV001810243.2), dbSNP rs2536153141, ClinGen allele CA367228248.